The following is an entry in ClinVar:

ClinVar aggregate classification (germline): Uncertain significance (1 of 4 stars; one submission).

Conditions:
Brugada syndrome. Also called: Sudden unexpected nocturnal death syndrome; Sudden unexplained nocturnal death syndrome; Sudden Unexplained Death Syndrome; Sudden Unexplained Nocturnal Death Syndrome (SUNDS). Identifiers: Orphanet 130, MedGen C1142166, MONDO:0015263.

Allele frequency attached by ClinVar (database versions not stated): gnomAD exomes below 0.00001; TOPMed below 0.00001.
gnomAD v4.1: 2 of 1,613,252 alleles (0.00012%); highest among the groups gnomAD compares: Non-Finnish European, 0.00017%; no homozygotes.

Submission:

Labcorp Genetics (formerly Invitae), Labcorp
Classification: Uncertain significance for Brugada syndrome. Last evaluated: 2025-11-08. Review status: criteria provided, single submitter. Criteria: Invitae Variant Classification Sherloc (09022015). Collection method: clinical testing. Allele origin: germline.
Comment: This sequence change replaces phenylalanine, which is neutral and non-polar, with leucine, which is neutral and non-polar, at codon 1407 of the SCN10A protein (p.Phe1407Leu). This variant is not present in population databases (gnomAD no frequency). This variant has not been reported in the literature in individuals affected with SCN10A-related conditions. ClinVar contains an entry for this variant (Variation ID: 407743). Invitae Evidence Modeling of protein sequence and biophysical properties (such as structural, functional, and spatial information, amino acid conservation, physicochemical variation, residue mobility, and thermodynamic stability) indicates that this missense variant is expected to disrupt SCN10A protein function with a positive predictive value of 80%. In summary, the available evidence is currently insufficient to determine the role of this variant in disease. Therefore, it has been classified as a Variant of Uncertain Significance.

NM_006514.4(SCN10A):c.4221C>A (p.Phe1407Leu)

Gene: SCN10A (sodium voltage-gated channel alpha subunit 10; minus strand). Cytogenetic location: 3p22.2.
Variant type: single nucleotide variant.
Coding change: c.4221C>A on transcript NM_006514.4 (MANE Select); coding-DNA position 4221, C replaced by A.
Protein change: p.Phe1407Leu; replaces phenylalanine 1407 with leucine.
Molecular consequence: missense variant.
Genome position (GRCh38, 1-based): chr3:38,709,538, G>T on the plus strand (C>A on the coding strand, the complement: SCN10A is on the minus strand). VCF-style: chr3-38709538-G-T. GRCh37 (hg19) VCF-style: chr3-38751029-G-T.
Other names: c.4218C>A, p.Phe1406Leu (NM_001293306.2); c.3927C>A, p.Phe1309Leu (NM_001293307.2); short protein forms F1407L, F1406L, F1309L.
Identifiers: ClinVar variation 407743 (VCV000407743.4), dbSNP rs1060501715, ClinGen allele CA16611478.